The following is an entry in ClinVar:

ClinVar aggregate classification (germline): Uncertain significance (1 of 4 stars; one submission).

Conditions:
Alstrom syndrome (ALMS). Identifiers: Orphanet 64, MedGen C0268425, MONDO:0008763, OMIM 203800.

Submission:

Labcorp Genetics (formerly Invitae), Labcorp
Classification: Uncertain significance for Alstrom syndrome. Last evaluated: 2022-07-11. Review status: criteria provided, single submitter. Criteria: Invitae Variant Classification Sherloc (09022015). Collection method: clinical testing. Allele origin: germline.
Comment: This sequence change replaces aspartic acid, which is acidic and polar, with proline, which is neutral and non-polar, at codon 2674 of the ALMS1 protein (p.Asp2674Pro). Information on the frequency of this variant in the gnomAD database is not available, as this variant may be reported differently in the database. This variant has not been reported in the literature in individuals affected with ALMS1-related conditions. ClinVar contains an entry for this variant (Variation ID: 1397785). Experimental studies and prediction algorithms are not available or were not evaluated, and the functional significance of this variant is currently unknown. In summary, the available evidence is currently insufficient to determine the role of this variant in disease. Therefore, it has been classified as a Variant of Uncertain Significance.

NM_001378454.1(ALMS1):c.8017_8018delinsCC (p.Asp2673Pro)

Gene: ALMS1 (ALMS1 centrosome and basal body associated protein; plus strand). Cytogenetic location: 2p13.1.
Variant type: Indel.
Coding change: c.8017_8018delinsCC on transcript NM_001378454.1 (MANE Select); coding-DNA positions 8017 to 8018, GA replaced by CC.
Protein change: p.Asp2673Pro; replaces aspartic acid 2673 with proline.
Molecular consequence: missense variant.
Genome position (GRCh38, 1-based): chr2:73,489,976-73,489,977, GA replaced by CC. VCF-style: chr2-73489976-GA-CC. GRCh37 (hg19) VCF-style: chr2-73717103-GA-CC.
Other names: c.8020_8021delinsCC, p.Asp2674Pro (NM_015120.4); short protein forms D2673P, D2674P.
Identifiers: ClinVar variation 1397785 (VCV001397785.4), dbSNP rs2103890304, ClinGen allele CA2573135756.
Genomic context (GRCh38, chr2:73,489,976, plus strand): 5'-CCATTTCAGAACTTTATACCTGATGAATTCAAAATCAGCAAAGGTCTTCGAATGCCATTC[GA>CC]TGAAAAGATGGACCCTTGGCTGTCAGAATTAGTAGAACCTGCTTTTGTGCCACCTAAAGA-3'
Protein context (NP_001365383.1, residues 2663-2683): KISKGLRMPF[Asp2673Pro]EKMDPWLSEL